The following is an entry in ClinVar:

ClinVar aggregate classification (germline): Conflicting classifications of pathogenicity. Review status: criteria provided, conflicting classifications (1 of 4 stars). 3 submissions from 3 submitters: Uncertain significance (1); Likely benign (2). Last evaluated 2026-01-26.

Conditions:
Noonan syndrome 10 (NS10). Identifiers: Orphanet 648, MedGen C4225280, MONDO:0014693, OMIM 616564.

Allele frequency attached by ClinVar (database versions not stated): TOPMed below 0.00001; gnomAD 0.00001.

Submissions (3):

Labcorp Genetics (formerly Invitae), Labcorp
Classification: Likely benign. Last evaluated: 2026-01-26. Review status: criteria provided, single submitter. Criteria: Invitae Variant Classification Sherloc (09022015). Collection method: clinical testing. Allele origin: germline.

St. Jude Molecular Pathology, St. Jude Children's Research Hospital
Classification: Uncertain significance for Noonan syndrome 10. Last evaluated: 2024-01-08. Review status: criteria provided, single submitter. Criteria: St. Jude Assertion Criteria 2020. Collection method: clinical testing. Allele origin: germline.
Comment: The LZTR1 c.2220-14T>C intronic change results in a T to C substitution at the -14 position of intron 18 of the LZTR1 gene. Algorithms that predict the impact of sequence changes on splicing indicate that this variant may impact splicing, but to our knowledge these predictions have not been confirmed by RNA studies. This variant has a maximum frequency of 0.016% in gnomAD v2.1.1. To our knowledge, this variant has not been reported in individuals with Noonan syndrome or schwannomatosis. In summary, the evidence currently available is insufficient to determine the clinical significance of this variant. It has therefore been classified as of uncertain significance.

Blueprint Genetics
Classification: Likely benign. Last evaluated: 2022-07-07. Review status: criteria provided, single submitter. Criteria: ACMG Guidelines, 2015. Collection method: clinical testing. Allele origin: germline.

NM_006767.4(LZTR1):c.2220-14T>C

Gene: LZTR1 (leucine zipper like post translational regulator 1; plus strand). Cytogenetic location: 22q11.21.
Variant type: single nucleotide variant.
Coding change: c.2220-14T>C on transcript NM_006767.4 (MANE Select); 14 bases into the intron before coding-DNA position 2220, T replaced by C.
Molecular consequence: intron variant.
Genome position (GRCh38, 1-based): chr22:20,996,682, T>C. VCF-style: chr22-20996682-T-C. GRCh37 (hg19) VCF-style: chr22-21350971-T-C.
Identifiers: ClinVar variation 2037862 (VCV002037862.6), dbSNP rs763822752, ClinGen allele CA322273426.